The following is an entry in ClinVar:

NM_016111.4(TELO2):c.672C>T (p.His224=)

Gene: TELO2 (telomere maintenance 2; plus strand). Cytogenetic location: 16p13.3.
Variant type: single nucleotide variant.
Coding change: c.672C>T on transcript NM_016111.4 (MANE Select); coding-DNA position 672, C replaced by T.
Protein change: p.His224=; no amino-acid change (histidine 224 retained).
Molecular consequence: synonymous variant.
Genome position (GRCh38, 1-based): chr16:1,497,094, C>T. VCF-style: chr16-1497094-C-T. GRCh37 (hg19) VCF-style: chr16-1547095-C-T.
Other names: c.672C>T, p.His224= (NM_001351846.2).
Identifiers: ClinVar variation 3039319 (VCV003039319.2), dbSNP rs147498237, ClinGen allele CA7811743.

ClinVar aggregate classification (germline): Likely benign (0 of 4 stars; one submission).

Conditions:
TELO2-related disorder. Also called: TELO2-related condition.

Allele frequency attached by ClinVar (database versions not stated): gnomAD exomes 0.00001; ExAC 0.00003; gnomAD 0.00005; TOPMed 0.00006; ESP Exome Variant Server 0.00008.
gnomAD v4.1: 19 of 1,613,930 alleles (0.0012%); highest among the groups gnomAD compares: African/African-American, 0.015%; no homozygotes.

Submission:

PreventionGenetics, part of Exact Sciences
Classification: Likely benign for TELO2-related condition. Last evaluated: 2019-05-28. Review status: no assertion criteria provided. Collection method: clinical testing. Allele origin: germline.
Comment: This variant is classified as likely benign based on ACMG/AMP sequence variant interpretation guidelines (Richards et al. 2015 PMID: 25741868, with internal and published modifications).